The following is an entry in ClinVar:

NC_000016.9:g.88172538_88337600del

Variant type: Deletion.
Identifiers: ClinVar variation 974364 (VCV000974364.1).

ClinVar aggregate classification (germline): Pathogenic (0 of 4 stars; one submission).

Conditions:
Fanconi anemia complementation group A (FANCA). Also called: Fanconi anemia, group A; FANCA-Related Fanconi Anemia. Identifiers: Orphanet 84, MedGen C3469521, MONDO:0009215, OMIM 227650.

Submission:

Leiden Open Variation Database
Classification: Pathogenic for Fanconi anemia complementation group A. Last evaluated: 2020-02-28. Review status: no assertion criteria provided. Collection method: curation. Allele origin: germline. Affected: yes.
Comment: Curator: Arleen D. Auerbach. Submitter to LOVD: Arleen D. Auerbach.

Literature cited by the submitters: PubMed 25168418.